The following is an entry in ClinVar:

ClinVar aggregate classification (germline): Uncertain significance (1 of 4 stars; one submission).

Allele frequency attached by ClinVar (database versions not stated): TOPMed 0.00001; gnomAD exomes 0.00002 and below 0.00001; ExAC 0.00001; gnomAD 0.00003.
gnomAD v4.1: 33 of 1,593,230 alleles (0.0021%); highest among the groups gnomAD compares: Non-Finnish European, 0.0026%; no homozygotes.

Submission:

Labcorp Genetics (formerly Invitae), Labcorp
Classification: Uncertain significance. Last evaluated: 2021-08-28. Review status: criteria provided, single submitter. Criteria: Invitae Variant Classification Sherloc (09022015). Collection method: clinical testing. Allele origin: germline.
Comment: This sequence change replaces asparagine with serine at codon 240 of the C7 protein (p.Asn240Ser). The asparagine residue is weakly conserved and there is a small physicochemical difference between asparagine and serine. This variant is present in population databases (rs761491387, ExAC 0.002%). This variant has not been reported in the literature in individuals affected with C7-related conditions. Algorithms developed to predict the effect of missense changes on protein structure and function output the following: SIFT: "Tolerated"; PolyPhen-2: "Benign"; Align-GVGD: "Class C0". The serine amino acid residue is found in multiple mammalian species, which suggests that this missense change does not adversely affect protein function. Algorithms developed to predict the effect of sequence changes on RNA splicing suggest that this variant may create or strengthen a splice site. In summary, the available evidence is currently insufficient to determine the role of this variant in disease. Therefore, it has been classified as a Variant of Uncertain Significance.

NM_000587.4(C7):c.719A>G (p.Asn240Ser)

Gene: C7 (complement C7; plus strand). Cytogenetic location: 5p13.1.
Variant type: single nucleotide variant.
Coding change: c.719A>G on transcript NM_000587.4 (MANE Select); coding-DNA position 719, A replaced by G.
Protein change: p.Asn240Ser; replaces asparagine 240 with serine.
Molecular consequence: missense variant.
Genome position (GRCh38, 1-based): chr5:40,945,349, A>G. VCF-style: chr5-40945349-A-G. GRCh37 (hg19) VCF-style: chr5-40945451-A-G.
Other names: short protein forms N240S.
Identifiers: ClinVar variation 1482737 (VCV001482737.5), dbSNP rs761491387, ClinGen allele CA3249733.